The following is an entry in ClinVar:

NM_000494.4(COL17A1):c.2208C>T (p.Pro736=)

Gene: COL17A1 (collagen type XVII alpha 1 chain; minus strand). Cytogenetic location: 10q25.1.
Variant type: single nucleotide variant.
Coding change: c.2208C>T on transcript NM_000494.4 (MANE Select); coding-DNA position 2208, C replaced by T.
Protein change: p.Pro736=; no amino-acid change (proline 736 retained).
Molecular consequence: synonymous variant.
Genome position (GRCh38, 1-based): chr10:104,049,428, G>A on the plus strand (C>T on the coding strand, the complement: COL17A1 is on the minus strand). VCF-style: chr10-104049428-G-A. GRCh37 (hg19) VCF-style: chr10-105809186-G-A.
Other names: c.2208C>T, p.Pro736= (LRG_1249t1).
Identifiers: ClinVar variation 298717 (VCV000298717.16), dbSNP rs139559170, ClinGen allele CA5678641.
Genomic context (GRCh38, chr10:104,049,428, plus strand): 5'-AGATGGGGAACTCACTGAATCCATTCCTTTGGAACACTTACCCATTGCTCCTTTAGCCCC[G>A]GGCTCACCAACAGCACCAGGCAAACCTCTCATGCCAGGCTCGCCTGCAAAGGACAAAGAA-3'
Protein context (NP_000485.3, residues 726-746): MRGLPGAVGE[Pro736=]GAKGAMGPAG

ClinVar aggregate classification (germline): Benign. Review status: criteria provided, multiple submitters, no conflicts (2 of 4 stars). 4 submissions from 4 submitters: Benign (3). 1 of the submissions does not count toward it. Last evaluated 2026-01-28.

Conditions:
COL17A1-related disorder. Also called: COL17A1-related condition.
Junctional epidermolysis bullosa, non-Herlitz type. Also called: EPIDERMOLYSIS BULLOSA JUNCTIONALIS, DISENTIS TYPE; EPIDERMOLYSIS BULLOSA JUNCTIONALIS, NON-HERLITZ TYPE; EPIDERMOLYSIS BULLOSA JUNCTIONALIS, PROGRESSIVE; EPIDERMOLYSIS BULLOSA JUNCTIONALIS, SEVERE NONLETHAL; Adult junctional epidermolysis bullosa; Epidermolysis bullosa, junctional, non-herlitz type, somatic mosaic revertant. Identifiers: Orphanet 251393, Orphanet 79402, Orphanet 79405, Orphanet 89840, MedGen C0268374, MONDO:0009180, OMIM 226650.

Allele frequency attached by ClinVar (database versions not stated): gnomAD 0.00031 and 0.00128; TOPMed 0.00049; ESP Exome Variant Server 0.00054; gnomAD exomes 0.00426; ExAC 0.00471; 1000 Genomes Project 0.00639; 1000 Genomes Project 30x 0.00640.
gnomAD v4.1: 3,577 of 1,614,166 alleles (0.22%); highest among the groups gnomAD compares: South Asian, 3.3%; 91 homozygotes.

Submissions (4):

Labcorp Genetics (formerly Invitae), Labcorp
Classification: Benign. Last evaluated: 2026-01-28. Review status: criteria provided, single submitter. Criteria: Invitae Variant Classification Sherloc (09022015). Collection method: clinical testing. Allele origin: germline.

Illumina Laboratory Services, Illumina
Classification: Benign for Junctional epidermolysis bullosa, non-Herlitz type. Last evaluated: 2018-01-12. Review status: criteria provided, single submitter. Criteria: ICSL Variant Classification Criteria 13 December 2019. Collection method: clinical testing. Allele origin: germline.
Comment: This variant was observed in the ICSL laboratory as part of a predisposition screen in an ostensibly healthy population. It had not been previously curated by ICSL or reported in the Human Gene Mutation Database (HGMD: prior to June 1st, 2018), and was therefore a candidate for classification through an automated scoring system. Utilizing variant allele frequency, disease prevalence and penetrance estimates, and inheritance mode, an automated score was calculated to assess if this variant is too frequent to cause the disease. Based on the score and internal cut-off values, a variant classified as benign is not then subjected to further curation. The score for this variant resulted in a classification of benign for this disease.

Breakthrough Genomics
Classification: Benign. Review status: criteria provided, single submitter. Criteria: ACMG Guidelines, 2015. Collection method: not provided. Allele origin: germline. Inheritance: Autosomal recessive inheritance. Affected: yes.

PreventionGenetics, part of Exact Sciences
Classification: Benign for COL17A1-related condition. Last evaluated: 2019-04-24. Review status: no assertion criteria provided. Collection method: clinical testing. Allele origin: germline. Not counted in ClinVar's aggregate classification.
Comment: This variant is classified as benign based on ACMG/AMP sequence variant interpretation guidelines (Richards et al. 2015 PMID: 25741868, with internal and published modifications).